The following is an entry in ClinVar:

ClinVar aggregate classification (germline): Likely benign. Review status: criteria provided, single submitter (1 of 4 stars). 2 submissions from 2 submitters: Likely benign (1). 1 of the submissions does not count toward it. Last evaluated 2018-03-28.

Conditions:
TOP3B-related disorder. Also called: TOP3B-related condition.

Allele frequency attached by ClinVar (database versions not stated): 1000 Genomes Project 30x 0.00031; 1000 Genomes Project 0.00040; TOPMed 0.00144; gnomAD exomes 0.00147; gnomAD 0.00149 and 0.00153; ExAC 0.00164; ESP Exome Variant Server 0.00269.
gnomAD v4.1: 3,619 of 1,611,714 alleles (0.22%); highest among the groups gnomAD compares: Non-Finnish European, 0.28%; 9 homozygotes.

Submissions (2):

Labcorp Genetics (formerly Invitae), Labcorp
Classification: Likely benign. Last evaluated: 2018-03-28. Review status: criteria provided, single submitter. Criteria: Invitae Variant Classification Sherloc (09022015). Collection method: clinical testing. Allele origin: germline.

PreventionGenetics, part of Exact Sciences
Classification: Likely benign for TOP3B-related condition. Last evaluated: 2019-11-08. Review status: no assertion criteria provided. Collection method: clinical testing. Allele origin: germline. Not counted in ClinVar's aggregate classification.
Comment: This variant is classified as likely benign based on ACMG/AMP sequence variant interpretation guidelines (Richards et al. 2015 PMID: 25741868, with internal and published modifications).

NM_001282112.2(TOP3B):c.1135C>T (p.Arg379Trp)

Gene: TOP3B (DNA topoisomerase III beta; minus strand). Cytogenetic location: 22q11.22.
Variant type: single nucleotide variant.
Coding change: c.1135C>T on transcript NM_001282112.2 (MANE Select); coding-DNA position 1135, C replaced by T.
Protein change: p.Arg379Trp; replaces arginine 379 with tryptophan.
Molecular consequence: missense variant. On other transcripts: non-coding transcript variant (1).
Genome position (GRCh38, 1-based): chr22:21,963,992, G>A on the plus strand (C>T on the coding strand, the complement: TOP3B is on the minus strand). VCF-style: chr22-21963992-G-A. GRCh37 (hg19) VCF-style: chr22-22318364-G-A.
Other names: c.1135C>T, p.Arg379Trp (NM_001282113.2, NM_001349845.2, NM_001349847.2 and 1 more transcripts); c.727C>T, p.Arg243Trp (NM_001349848.2, NM_001349850.2, NM_001349851.2 and 1 more transcripts); short protein forms R243W, R379W.
Identifiers: ClinVar variation 730811 (VCV000730811.5), dbSNP rs143308485, ClinGen allele CA10125731.